The following is an entry in ClinVar:

ClinVar aggregate classification (germline): Benign/Likely benign. Review status: criteria provided, multiple submitters, no conflicts (2 of 4 stars). 10 submissions from 7 submitters: Benign (1); Likely benign (9). Last evaluated 2026-02-03.

Conditions:
Congenital myopathy 18. Also called: Myopathy, congenital, due to dihydropyridine receptor defect; DIHYDROPYRIDINE RECEPTOR CONGENITAL MYOPATHY; DHPR CONGENITAL MYOPATHY. Identifiers: MedGen C5830283, MONDO:0859514, OMIM 620246.
Thyrotoxic periodic paralysis, susceptibility to, 1 (TTPP1). Identifiers: Orphanet 79102, MedGen C2749982, MONDO:0008570, OMIM 188580.
Malignant hyperthermia, susceptibility to, 5 (MHS5). Also called: CACNA1S-Related Malignant Hyperthermia Susceptibility. Identifiers: Orphanet 423, MedGen C1866077, MONDO:0011163, OMIM 601887.
Hypokalemic periodic paralysis, type 1. Also called: HypoPP; Hypokalemic Periodic Paralysis Type 1 (AD). Identifiers: Orphanet 681, MedGen C3714580, MONDO:0042979, OMIM 170400.

Allele frequency attached by ClinVar (database versions not stated): TOPMed 0.00014; ESP Exome Variant Server 0.00015; gnomAD exomes 0.00018 and 0.00019; gnomAD 0.00023; ExAC 0.00025.
gnomAD v4.1: 310 of 1,613,440 alleles (0.019%); highest among the groups gnomAD compares: Non-Finnish European, 0.025%; no homozygotes.

Submissions (10):

Labcorp Genetics (formerly Invitae), Labcorp
Classification: Likely benign for Hypokalemic periodic paralysis, type 1; Malignant hyperthermia, susceptibility to, 5. Last evaluated: 2026-02-03. Review status: criteria provided, single submitter. Criteria: Invitae Variant Classification Sherloc (09022015). Collection method: clinical testing. Allele origin: germline.

Blueprint Genetics
Classification: Likely benign. Last evaluated: 2024-11-14. Review status: criteria provided, single submitter. Criteria: ACMG Guidelines, 2015. Collection method: clinical testing. Allele origin: germline.

CeGaT Center for Human Genetics Tuebingen
Classification: Likely benign. Last evaluated: 2024-04-01. Review status: criteria provided, single submitter. Criteria: CeGaT Center For Human Genetics Tuebingen Variant Classification Criteria Version 2. Collection method: clinical testing. Allele origin: germline. Affected: yes. Observed: 4 variant alleles.
Comment: CACNA1S: BP4

All of Us Research Program, National Institutes of Health
Classification: Likely benign for Malignant hyperthermia, susceptibility to, 5. Last evaluated: 2024-02-05. Review status: criteria provided, single submitter. Criteria: ACMG Guidelines, 2015. Collection method: clinical testing. Allele origin: germline. Inheritance: Autosomal dominant inheritance. Observed: 60 variant alleles, 60 heterozygotes.
Comment: This study involves interpretation of variants in research participants for the purpose of population health screening. Participant phenotype was not available at the time of variant classification. Additional details can be found in publication PMID: 35346344, PMCID: PMC8962531

Genome-Nilou Lab
Classification: Likely benign for Malignant hyperthermia, susceptibility to, 5. Last evaluated: 2023-04-11. Review status: criteria provided, single submitter. Criteria: ACMG Guidelines, 2015. Collection method: clinical testing. Allele origin: germline. Affected: no.

Genome-Nilou Lab
Classification: Likely benign for Thyrotoxic periodic paralysis, susceptibility to, 1. Last evaluated: 2023-04-11. Review status: criteria provided, single submitter. Criteria: ACMG Guidelines, 2015. Collection method: clinical testing. Allele origin: germline. Affected: no.

Genome-Nilou Lab
Classification: Likely benign for Congenital myopathy 18. Last evaluated: 2023-04-11. Review status: criteria provided, single submitter. Criteria: ACMG Guidelines, 2015. Collection method: clinical testing. Allele origin: germline. Affected: no.

Genome-Nilou Lab
Classification: Likely benign for Hypokalemic periodic paralysis, type 1. Last evaluated: 2023-04-11. Review status: criteria provided, single submitter. Criteria: ACMG Guidelines, 2015. Collection method: clinical testing. Allele origin: germline. Affected: no.

Color Diagnostics, LLC DBA Color Health
Classification: Likely benign for Malignant hyperthermia, susceptibility to, 5. Last evaluated: 2022-10-03. Review status: criteria provided, single submitter. Criteria: ACMG Guidelines, 2015. Collection method: clinical testing. Allele origin: germline.

Illumina Laboratory Services, Illumina
Classification: Benign for Hypokalemic periodic paralysis, type 1. Last evaluated: 2018-01-13. Review status: criteria provided, single submitter. Criteria: ICSL Variant Classification Criteria 13 December 2019. Collection method: clinical testing. Allele origin: germline.
Comment: This variant was observed in the ICSL laboratory as part of a predisposition screen in an ostensibly healthy population. It had not been previously curated by ICSL or reported in the Human Gene Mutation Database (HGMD: prior to June 1st, 2018), and was therefore a candidate for classification through an automated scoring system. Utilizing variant allele frequency, disease prevalence and penetrance estimates, and inheritance mode, an automated score was calculated to assess if this variant is too frequent to cause the disease. Based on the score and internal cut-off values, a variant classified as benign is not then subjected to further curation. The score for this variant resulted in a classification of benign for this disease.

NM_000069.3(CACNA1S):c.3616C>T (p.Leu1206=)

Gene: CACNA1S (calcium voltage-gated channel subunit alpha1 S; minus strand). Cytogenetic location: 1q32.1.
Variant type: single nucleotide variant.
Coding change: c.3616C>T on transcript NM_000069.3 (MANE Select); coding-DNA position 3616, C replaced by T.
Protein change: p.Leu1206=; no amino-acid change (leucine 1206 retained).
Molecular consequence: synonymous variant.
Genome position (GRCh38, 1-based): chr1:201,054,555, G>A on the plus strand (C>T on the coding strand, the complement: CACNA1S is on the minus strand). VCF-style: chr1-201054555-G-A. GRCh37 (hg19) VCF-style: chr1-201023683-G-A.
Identifiers: ClinVar variation 541049 (VCV000541049.53), dbSNP rs148105111, ClinGen allele CA082673.
Genomic context (GRCh38, chr1:201,054,555, plus strand): 5'-CTGAAATTACAACGTTCCCGCAGCCTCCACCCAGGCAATACAGTCCCCCGCTGGAGGCCA[G>A]GAAAGTCTGTGGAGAAAAGAGACGAAGGGAGGGGAAGGAGAGGAGAGAGAGGAGGAGGGA-3'
Protein context (NP_000060.2, residues 1196-1216): DVILSEIDTF[Leu1206=]ASSGGLYCLG